The following is an entry in ClinVar:

ClinVar aggregate classification (germline): Benign/Likely benign. Review status: criteria provided, multiple submitters, no conflicts (2 of 4 stars). 3 submissions from 3 submitters: Benign (1); Likely benign (2). Last evaluated 2026-05-20.

Conditions:
Hereditary cancer-predisposing syndrome. Also called: Hereditary neoplastic syndrome; Neoplastic Syndromes, Hereditary; Hereditary Cancer Syndrome; Tumor predisposition. Identifiers: Orphanet 140162, MedGen C0027672, MeSH D009386, MONDO:0015356.
Cardiovascular phenotype. Identifiers: MedGen CN230736.
Neurofibromatosis, type 1 (NF1). Also called: Peripheral type neurofibromatosis; Neurofibromatosis, type I; VON RECKLINGHAUSEN DISEASE; NEUROFIBROMATOSIS, TYPE I, SOMATIC. Identifiers: Orphanet 636, MedGen C0027831, MONDO:0018975, OMIM 162200. Disease mechanism: loss of function.

Allele frequency attached by ClinVar (database versions not stated): gnomAD exomes below 0.00001.

Submissions (3):

Myriad Genetics, Inc.
Classification: Benign for Neurofibromatosis, type 1. Last evaluated: 2026-05-20. Review status: criteria provided, single submitter. Criteria: Myriad Autosomal Dominant, Autosomal Recessive and X-Linked Classification Criteria (2023). Collection method: clinical testing. Allele origin: unknown.
Comment: This variant is considered benign. This variant is a silent/synonymous amino acid change and it is not expected to impact splicing.

Labcorp Genetics (formerly Invitae), Labcorp
Classification: Likely benign for Neurofibromatosis, type 1. Last evaluated: 2024-05-13. Review status: criteria provided, single submitter. Criteria: Invitae Variant Classification Sherloc (09022015). Collection method: clinical testing. Allele origin: germline.

Ambry Genetics
Classification: Likely benign for Cardiovascular phenotype; Hereditary cancer-predisposing syndrome. Last evaluated: 2017-05-11. Review status: criteria provided, single submitter. Criteria: Ambry Variant Classification Scheme 2023. Collection method: clinical testing. Allele origin: germline.

NM_001042492.3(NF1):c.4791G>T (p.Gly1597=)

Gene: NF1 (neurofibromin 1; plus strand). Cytogenetic location: 17q11.2.
Variant type: single nucleotide variant.
Coding change: c.4791G>T on transcript NM_001042492.3 (MANE Select); coding-DNA position 4791, G replaced by T.
Protein change: p.Gly1597=; no amino-acid change (glycine 1597 retained).
Molecular consequence: synonymous variant.
Genome position (GRCh38, 1-based): chr17:31,265,295, G>T. VCF-style: chr17-31265295-G-T. GRCh37 (hg19) VCF-style: chr17-29592313-G-T.
Other names: c.4728G>T, p.Gly1576= (NM_000267.4).
Identifiers: ClinVar variation 485966 (VCV000485966.13), dbSNP rs1412795566, ClinGen allele CA499234169.